The following is an entry in ClinVar:

ClinVar aggregate classification (germline): Pathogenic (1 of 4 stars; one submission).

Conditions:
Ataxia-telangiectasia syndrome (AT). Also called: Cerebello-oculocutaneous telangiectasia; Immunodeficiency with ataxia telangiectasia; ATAXIA-TELANGIECTASIA, FRESNO VARIANT; Ataxia-telangiectasia, complementation group D; Ataxia telangiectasia (A-T); LOUIS-BAR SYNDROME. Identifiers: Orphanet 100, MedGen C0004135, MONDO:0008840, OMIM 208900.

Submission:

Labcorp Genetics (formerly Invitae), Labcorp
Classification: Pathogenic for Ataxia-telangiectasia syndrome. Last evaluated: 2019-04-08. Review status: criteria provided, single submitter. Criteria: Invitae Variant Classification Sherloc (09022015). Collection method: clinical testing. Allele origin: germline.
Comment: A gross deletion of the genomic region encompassing the full coding sequence of the ATM gene has been identified. The boundaries of this event are unknown as the deletion extends beyond the assayed region for this gene and therefore may encompass additional genes. This variant has not been reported in the literature in individuals with ATM-related disease. Loss-of-function variants in ATM are known to be pathogenic (PMID: 23807571, 25614872). For these reasons, this variant has been classified as Pathogenic.

Literature cited by the submitters: PubMed 23807571; PubMed 25614872.

NC_000011.9:g.(?_107992314)_108236255del

Gene: ATM (ATM serine/threonine kinase; plus strand).
Variant type: Deletion.
Identifiers: ClinVar variation 1075499 (VCV001075499.2).